The following is an entry in ClinVar:

NM_002336.3(LRP6):c.3209A>G (p.Tyr1070Cys)

Gene: LRP6 (LDL receptor related protein 6; minus strand). Cytogenetic location: 12p13.2.
Variant type: single nucleotide variant.
Coding change: c.3209A>G on transcript NM_002336.3 (MANE Select); coding-DNA position 3209, A replaced by G.
Protein change: p.Tyr1070Cys; replaces tyrosine 1070 with cysteine.
Molecular consequence: missense variant. On other transcripts: non-coding transcript variant (1).
Genome position (GRCh38, 1-based): chr12:12,147,554, T>C on the plus strand (A>G on the coding strand, the complement: LRP6 is on the minus strand). VCF-style: chr12-12147554-T-C. GRCh37 (hg19) VCF-style: chr12-12300488-T-C.
Other names: c.3209A>G, p.Tyr1070Cys (NM_001414244.1, NM_001414245.1, NM_001414246.1 and 4 more transcripts); c.3011A>G, p.Tyr1004Cys (NM_001414247.1); c.2756A>G, p.Tyr919Cys (NM_001414252.1, NM_001414253.1, NM_001414254.1); c.2702A>G, p.Tyr901Cys (NM_001414255.1); short protein forms Y1004C, Y901C, Y919C, Y1070C.
Identifiers: ClinVar variation 2979029 (VCV002979029.3), dbSNP rs761510709, ClinGen allele CA6455291.

ClinVar aggregate classification (germline): Uncertain significance (1 of 4 stars; one submission).

Allele frequency attached by ClinVar (database versions not stated): gnomAD exomes 0.00001; TOPMed 0.00001; ExAC 0.00002.
gnomAD v4.1: 13 of 1,612,338 alleles (0.00081%); highest among the groups gnomAD compares: Middle Eastern, 0.017%; no homozygotes.

Submission:

Labcorp Genetics (formerly Invitae), Labcorp
Classification: Uncertain significance. Last evaluated: 2025-07-28. Review status: criteria provided, single submitter. Criteria: Invitae Variant Classification Sherloc (09022015). Collection method: clinical testing. Allele origin: germline.
Comment: This sequence change replaces tyrosine, which is neutral and polar, with cysteine, which is neutral and slightly polar, at codon 1070 of the LRP6 protein (p.Tyr1070Cys). This variant is present in population databases (rs761510709, gnomAD 0.01%). This variant has not been reported in the literature in individuals affected with LRP6-related conditions. ClinVar contains an entry for this variant (Variation ID: 2979029). An algorithm developed to predict the effect of missense changes on protein structure and function (PolyPhen-2) suggests that this variant is likely to be disruptive. In summary, the available evidence is currently insufficient to determine the role of this variant in disease. Therefore, it has been classified as a Variant of Uncertain Significance.